The following is an entry in ClinVar:

NM_001253697.2(ERBIN):c.2263del (p.Asp755fs)

Gene: ERBIN (erbb2 interacting protein; plus strand). Cytogenetic location: 5q12.3.
Variant type: Deletion.
Coding change: c.2263del on transcript NM_001253697.2 (MANE Select); coding-DNA position 2263, one base deleted (G; older notation c.2263delG).
Protein change: p.Asp755fs; shifts the reading frame from aspartic acid 755.
Molecular consequence: frameshift variant.
Genome position (GRCh38, 1-based): chr5:66,053,581, G deleted. VCF-style (leftmost placement, unchanged base first): chr5-66053580-TG-T. GRCh37 (hg19) VCF-style: chr5-65349408-TG-T.
Other names: c.2263del, p.Asp755fs (NM_001006600.3, NM_001253698.2, NM_001253699.2 and 1 more transcripts); c.2251del, p.Asp751fs (NM_001253701.2); short protein forms D755fs, D751fs.
Identifiers: ClinVar variation 3645823 (VCV003645823.2).

ClinVar aggregate classification (germline): Uncertain significance (1 of 4 stars; one submission).

Submission:

Labcorp Genetics (formerly Invitae), Labcorp
Classification: Uncertain significance. Last evaluated: 2025-06-08. Review status: criteria provided, single submitter. Criteria: Invitae Variant Classification Sherloc (09022015). Collection method: clinical testing. Allele origin: germline.
Comment: This sequence change creates a premature translational stop signal (p.Asp755Metfs*6) in the ERBIN gene. It is expected to result in an absent or disrupted protein product. However, the current clinical and genetic evidence is not sufficient to establish whether loss-of-function variants in ERBIN cause disease. This variant is not present in population databases (gnomAD no frequency). This variant has not been reported in the literature in individuals affected with ERBIN-related conditions. ClinVar contains an entry for this variant (Variation ID: 3645823). In summary, the available evidence is currently insufficient to determine the role of this variant in disease. Therefore, it has been classified as a Variant of Uncertain Significance.